The following is an entry in ClinVar:

ClinVar aggregate classification (germline): Uncertain significance (1 of 4 stars; one submission).

Submission:

Labcorp Genetics (formerly Invitae), Labcorp
Classification: Uncertain significance. Last evaluated: 2024-12-30. Review status: criteria provided, single submitter. Criteria: Invitae Variant Classification Sherloc (09022015). Collection method: clinical testing. Allele origin: germline.
Comment: This sequence change replaces isoleucine, which is neutral and non-polar, with leucine, which is neutral and non-polar, at codon 327 of the KAT6A protein (p.Ile327Leu). This variant is not present in population databases (gnomAD no frequency). This variant has not been reported in the literature in individuals affected with KAT6A-related conditions. Invitae Evidence Modeling of protein sequence and biophysical properties (such as structural, functional, and spatial information, amino acid conservation, physicochemical variation, residue mobility, and thermodynamic stability) indicates that this missense variant is not expected to disrupt KAT6A protein function with a negative predictive value of 95%. In summary, the available evidence is currently insufficient to determine the role of this variant in disease. Therefore, it has been classified as a Variant of Uncertain Significance.

NM_006766.5(KAT6A):c.979A>T (p.Ile327Leu)

Gene: KAT6A (lysine acetyltransferase 6A; minus strand). Cytogenetic location: 8p11.21.
Variant type: single nucleotide variant.
Coding change: c.979A>T on transcript NM_006766.5 (MANE Select); coding-DNA position 979, A replaced by T.
Protein change: p.Ile327Leu; replaces isoleucine 327 with leucine.
Molecular consequence: missense variant.
Genome position (GRCh38, 1-based): chr8:41,978,706, T>A on the plus strand (A>T on the coding strand, the complement: KAT6A is on the minus strand). VCF-style: chr8-41978706-T-A. GRCh37 (hg19) VCF-style: chr8-41836224-T-A.
Other names: c.979A>T, p.Ile327Leu (NM_001305878.2); short protein forms I327L.
Identifiers: ClinVar variation 3720534 (VCV003720534.2).
Genomic context (GRCh38, chr8:41,978,706, plus strand): 5'-TGTTTTGTTTCTTTAACCTGTTTTTTGGACGTCCTATTGGATTAGTATAGCGCCGTTTTA[T>A]CTGTGCTGCCTTCTTTTGTAGAAGTTTTCGTCCTTTTTTCCTAGGTCGACATATTTGACA-3'
Protein context (NP_006757.2, residues 317-337): RKLLQKKAAQ[Ile327Leu]KRRYTNPIGR